The following is an entry in ClinVar:

ClinVar aggregate classification (germline): Likely benign. Review status: criteria provided, single submitter (1 of 4 stars). 2 submissions from 2 submitters: Likely benign (1). 1 of the submissions does not count toward it. Last evaluated 2025-05-31.

Conditions:
PLD1-related disorder. Also called: PLD1-related condition.

Allele frequency attached by ClinVar (database versions not stated): gnomAD exomes 0.00016; ExAC 0.00021; 1000 Genomes Project 0.00040; 1000 Genomes Project 30x 0.00047; gnomAD 0.00059 and 0.00060; TOPMed 0.00059; ESP Exome Variant Server 0.00108.
gnomAD v4.1: 200 of 1,587,844 alleles (0.013%); highest among the groups gnomAD compares: African/African-American, 0.18%; no homozygotes.

Submissions (2):

Labcorp Genetics (formerly Invitae), Labcorp
Classification: Likely benign. Last evaluated: 2025-05-31. Review status: criteria provided, single submitter. Criteria: Invitae Variant Classification Sherloc (09022015). Collection method: clinical testing. Allele origin: germline.

PreventionGenetics, part of Exact Sciences
Classification: Likely benign for PLD1-related condition. Last evaluated: 2019-10-28. Review status: no assertion criteria provided. Collection method: clinical testing. Allele origin: germline. Not counted in ClinVar's aggregate classification.
Comment: This variant is classified as likely benign based on ACMG/AMP sequence variant interpretation guidelines (Richards et al. 2015 PMID: 25741868, with internal and published modifications).

NM_002662.5(PLD1):c.1997-7C>T

Gene: PLD1 (phospholipase D1; minus strand). Cytogenetic location: 3q26.31.
Variant type: single nucleotide variant.
Coding change: c.1997-7C>T on transcript NM_002662.5 (MANE Select); 7 bases into the intron before coding-DNA position 1997, C replaced by T.
Molecular consequence: intron variant.
Genome position (GRCh38, 1-based): chr3:171,676,840, G>A on the plus strand (C>T on the coding strand, the complement: PLD1 is on the minus strand). VCF-style: chr3-171676840-G-A. GRCh37 (hg19) VCF-style: chr3-171394630-G-A.
Other names: c.1883-7C>T (NM_001130081.3).
Identifiers: ClinVar variation 728857 (VCV000728857.11), dbSNP rs186706897, ClinGen allele CA2704420.